The following is an entry in ClinVar:

NM_000350.3(ABCA4):c.2842C>G (p.Arg948Gly)

Gene: ABCA4 (ATP binding cassette subfamily A member 4; minus strand). Cytogenetic location: 1p22.1.
Variant type: single nucleotide variant.
Coding change: c.2842C>G on transcript NM_000350.3 (MANE Select); coding-DNA position 2842, C replaced by G.
Protein change: p.Arg948Gly; replaces arginine 948 with glycine.
Molecular consequence: missense variant.
Genome position (GRCh38, 1-based): chr1:94,046,995, G>C on the plus strand (C>G on the coding strand, the complement: ABCA4 is on the minus strand). VCF-style: chr1-94046995-G-C. GRCh37 (hg19) VCF-style: chr1-94512551-G-C.
Other names: c.2620C>G, p.Arg874Gly (NM_001425324.1); short protein forms R874G, R948G.
Identifiers: ClinVar variation 4875141 (VCV004875141.2).
Genomic context (GRCh38, chr1:94,046,995, plus strand): 5'-CAGCTCCATTGTGGCCCAGGAATGCGGTGATCTGGTTCTCGTAGAAGGTGATGTTCAGAC[G>C]GTCCACAGCTGGCCGGCCACAGGGCTCAAAAATCTTTACCAGATTCTTCACGCATACCCC-3'
Protein context (NP_000341.2, residues 938-958): FEPCGRPAVD[Arg948Gly]LNITFYENQI

ClinVar aggregate classification (germline): Uncertain significance (1 of 4 stars; one submission).

gnomAD v4.1: 1 of 1,614,098 alleles (0.000062%); highest among the groups gnomAD compares: Non-Finnish European, 0.000085%; no homozygotes.

Submission:

CeGaT Center for Human Genetics Tuebingen
Classification: Uncertain significance. Last evaluated: 2026-05-01. Review status: criteria provided, single submitter. Criteria: CeGaT Center For Human Genetics Tuebingen Variant Classification Criteria Version 2. Collection method: clinical testing. Allele origin: germline. Affected: yes. Observed: 1 variant allele.
Comment: ABCA4: PM5, BP4